The following is an entry in ClinVar:

ClinVar aggregate classification (germline): Uncertain significance (1 of 4 stars; one submission).

gnomAD v4.1: 13 of 1,613,992 alleles (0.00081%); highest among the groups gnomAD compares: Middle Eastern, 0.016%; no homozygotes.

Submission:

Labcorp Genetics (formerly Invitae), Labcorp
Classification: Uncertain significance. Last evaluated: 2025-12-29. Review status: criteria provided, single submitter. Criteria: Invitae Variant Classification Sherloc (09022015). Collection method: clinical testing. Allele origin: germline.
Comment: This sequence change replaces arginine, which is basic and polar, with glutamine, which is neutral and polar, at codon 572 of the TNFAIP3 protein (p.Arg572Gln). This variant is present in population databases (rs556022420, gnomAD 0.006%). This variant has not been reported in the literature in individuals affected with TNFAIP3-related conditions. Invitae Evidence Modeling of protein sequence and biophysical properties (such as structural, functional, and spatial information, amino acid conservation, physicochemical variation, residue mobility, and thermodynamic stability) indicates that this missense variant is not expected to disrupt TNFAIP3 protein function with a negative predictive value of 80%. In summary, the available evidence is currently insufficient to determine the role of this variant in disease. Therefore, it has been classified as a Variant of Uncertain Significance.

NM_001270508.2(TNFAIP3):c.1715G>A (p.Arg572Gln)

Gene: TNFAIP3 (TNF alpha induced protein 3; plus strand). Cytogenetic location: 6q23.3.
Variant type: single nucleotide variant.
Coding change: c.1715G>A on transcript NM_001270508.2 (MANE Select); coding-DNA position 1715, G replaced by A.
Protein change: p.Arg572Gln; replaces arginine 572 with glutamine.
Molecular consequence: missense variant.
Genome position (GRCh38, 1-based): chr6:137,879,160, G>A. VCF-style: chr6-137879160-G-A. GRCh37 (hg19) VCF-style: chr6-138200297-G-A.
Other names: c.1715G>A, p.Arg572Gln (NM_001270507.2, NM_006290.4); short protein forms R572Q.
Identifiers: ClinVar variation 4779743 (VCV004779743.1).